The following is an entry in ClinVar:

NM_000548.5(TSC2):c.2404A>G (p.Ser802Gly)

Gene: TSC2 (TSC complex subunit 2; plus strand). Cytogenetic location: 16p13.3.
Variant type: single nucleotide variant.
Coding change: c.2404A>G on transcript NM_000548.5 (MANE Select); coding-DNA position 2404, A replaced by G.
Protein change: p.Ser802Gly; replaces serine 802 with glycine.
Molecular consequence: missense variant.
Genome position (GRCh38, 1-based): chr16:2,074,248, A>G. VCF-style: chr16-2074248-A-G. GRCh37 (hg19) VCF-style: chr16-2124249-A-G.
Other names: c.2404A>G (NM_000548.4); c.2404A>G, p.Ser802Gly (NM_001077183.3, NM_001114382.3, NM_001363528.2 and 3 more transcripts); c.2293A>G, p.Ser765Gly (NM_001318827.2); c.2257A>G, p.Ser753Gly (NM_001318829.2); c.1804A>G, p.Ser602Gly (NM_001318831.2); c.2437A>G, p.Ser813Gly (NM_001318832.2); short protein forms S802G, S602G, S753G, S765G, S813G.
Identifiers: ClinVar variation 406060 (VCV000406060.27), dbSNP rs200929621, ClinGen allele CA038952.

ClinVar aggregate classification (germline): Benign/Likely benign. Review status: criteria provided, multiple submitters, no conflicts (2 of 4 stars). 9 submissions from 9 submitters: Benign (3); Likely benign (5). 1 of the submissions does not count toward it. Last evaluated 2025-12-29.

Conditions:
TSC2-related disorder. Also called: TSC2-Related Disorders; TSC2-related condition.
Hereditary cancer-predisposing syndrome. Also called: Tumor predisposition; Neoplastic Syndromes, Hereditary; Hereditary Cancer Syndrome; Hereditary neoplastic syndrome. Identifiers: Orphanet 140162, MedGen C0027672, MeSH D009386, MONDO:0015356.
Tuberous sclerosis syndrome (TSC). Also called: Tuberous Sclerosis Complex; Tuberous sclerosis. Identifiers: Orphanet 805, MedGen C0041341, MONDO:0001734.
Tuberous sclerosis 2 (TSC2). Identifiers: Orphanet 805, MedGen C1860707, MONDO:0013199, OMIM 613254.

Allele frequency attached by ClinVar (database versions not stated): gnomAD 0.00002 and 0.00004; TOPMed 0.00002; gnomAD exomes 0.00004 and 0.00011; ExAC 0.00008; 1000 Genomes Project 30x 0.00016; 1000 Genomes Project 0.00020.
gnomAD v4.1: 159 of 1,612,754 alleles (0.0099%); highest among the groups gnomAD compares: East Asian, 0.35%; 1 homozygote.

Submissions (9):

Labcorp Genetics (formerly Invitae), Labcorp
Classification: Benign for Tuberous sclerosis 2. Last evaluated: 2025-12-29. Review status: criteria provided, single submitter. Criteria: Invitae Variant Classification Sherloc (09022015). Collection method: clinical testing. Allele origin: germline.

Myriad Genetics, Inc.
Classification: Likely benign for Tuberous sclerosis 2. Last evaluated: 2024-08-13. Review status: criteria provided, single submitter. Criteria: Myriad Autosomal Dominant, Autosomal Recessive and X-Linked Classification Criteria (2023). Collection method: clinical testing. Allele origin: unknown.
Comment: This variant is considered likely benign. This variant has been observed at a population frequency that is significantly greater than expected given the associated disease prevalence and penetrance.

Quest Diagnostics Nichols Institute San Juan Capistrano
Classification: Likely benign. Last evaluated: 2022-12-28. Review status: criteria provided, single submitter. Criteria: Quest Diagnostics criteria. Collection method: clinical testing. Allele origin: unknown.
Comment: The frequency of this variant in the general population is higher than would generally be expected for pathogenic variants in this gene. Computational tools predict this amino acid change may be benign.

Color Diagnostics, LLC DBA Color Health
Classification: Likely benign for Tuberous sclerosis syndrome. Last evaluated: 2022-08-31. Review status: criteria provided, single submitter. Criteria: ACMG Guidelines, 2015. Collection method: clinical testing. Allele origin: germline.

Sema4
Classification: Benign for Hereditary cancer-predisposing syndrome. Last evaluated: 2022-01-18. Review status: criteria provided, single submitter. Criteria: Sema4 Curation Guidelines. Collection method: curation. Allele origin: germline.

Genome-Nilou Lab
Classification: Benign for Tuberous sclerosis 2. Last evaluated: 2021-11-07. Review status: criteria provided, single submitter. Criteria: ACMG Guidelines, 2015. Collection method: clinical testing. Allele origin: germline. Affected: no.

Ambry Genetics
Classification: Likely benign for Hereditary cancer-predisposing syndrome. Last evaluated: 2019-03-07. Review status: criteria provided, single submitter. Criteria: Ambry Variant Classification Scheme 2023. Collection method: clinical testing. Allele origin: germline.

Illumina Laboratory Services, Illumina
Classification: Likely benign for Tuberous sclerosis syndrome. Last evaluated: 2017-04-27. Review status: criteria provided, single submitter. Criteria: ICSL Variant Classification Criteria 13 December 2019. Collection method: clinical testing. Allele origin: germline.
Comment: This variant was observed as part of a predisposition screen in an ostensibly healthy population. A literature search was performed for the gene, cDNA change, and amino acid change (where applicable). Publications were found based on this search. The evidence from the literature, in combination with allele frequency data from public databases where available, was sufficient to determine this variant is unlikely to cause disease. Therefore, this variant is classified as likely benign.

PreventionGenetics, part of Exact Sciences
Classification: Likely benign for TSC2-related condition. Last evaluated: 2024-02-15. Review status: no assertion criteria provided. Collection method: clinical testing. Allele origin: germline. Not counted in ClinVar's aggregate classification.
Comment: This variant is classified as likely benign based on ACMG/AMP sequence variant interpretation guidelines (Richards et al. 2015 PMID: 25741868, with internal and published modifications).

Literature cited by the submitters: PubMed 12015165 (cited by Illumina Laboratory Services, Illumina).